The following is an entry in ClinVar:

NM_006267.5(RANBP2):c.9204T>A (p.Phe3068Leu)

Gene: RANBP2 (RAN binding protein 2; plus strand). Cytogenetic location: 2q13.
Variant type: single nucleotide variant.
Coding change: c.9204T>A on transcript NM_006267.5 (MANE Select); coding-DNA position 9204, T replaced by A.
Protein change: p.Phe3068Leu; replaces phenylalanine 3068 with leucine.
Molecular consequence: missense variant.
Genome position (GRCh38, 1-based): chr2:108,782,697, T>A. VCF-style: chr2-108782697-T-A. GRCh37 (hg19) VCF-style: chr2-109399153-T-A.
Other names: short protein forms F3068L.
Identifiers: ClinVar variation 1515789 (VCV001515789.9), dbSNP rs2149332958, ClinGen allele CA348085419.

ClinVar aggregate classification (germline): Uncertain significance (1 of 4 stars; one submission).

Conditions:
Familial acute necrotizing encephalopathy (IIAE3). Also called: ENCEPHALOPATHY, ACUTE, INFECTION-INDUCED, SUSCEPTIBILITY TO, 3; Susceptibility to Acute Necrotizing Encephalopathy 1. Identifiers: Orphanet 88619, MedGen C2675556, MONDO:0011953, OMIM 608033.

gnomAD v4.1: 10 of 1,614,226 alleles (0.00062%); highest among the groups gnomAD compares: Non-Finnish European, 0.00085%; no homozygotes.

Submission:

Labcorp Genetics (formerly Invitae), Labcorp
Classification: Uncertain significance for Familial acute necrotizing encephalopathy. Last evaluated: 2020-11-12. Review status: criteria provided, single submitter. Criteria: Invitae Variant Classification Sherloc (09022015). Collection method: clinical testing. Allele origin: germline.
Comment: This sequence change replaces phenylalanine with leucine at codon 3068 of the RANBP2 protein (p.Phe3068Leu). The phenylalanine residue is highly conserved and there is a small physicochemical difference between phenylalanine and leucine. This variant is not present in population databases (ExAC no frequency). This variant has not been reported in the literature in individuals with RANBP2-related conditions. Algorithms developed to predict the effect of missense changes on protein structure and function are either unavailable or do not agree on the potential impact of this missense change (SIFT: "Deleterious"; PolyPhen-2: "Possibly Damaging"; Align-GVGD: "Class C15"). Algorithms developed to predict the effect of sequence changes on RNA splicing suggest that this variant may create or strengthen a splice site, but this prediction has not been confirmed by published transcriptional studies. In summary, the available evidence is currently insufficient to determine the role of this variant in disease. Therefore, it has been classified as a Variant of Uncertain Significance.